The following is an entry in ClinVar:

ClinVar aggregate classification (germline): Pathogenic (1 of 4 stars; one submission).

Submission:

Labcorp Genetics (formerly Invitae), Labcorp
Classification: Pathogenic. Last evaluated: 2023-08-18. Review status: criteria provided, single submitter. Criteria: Invitae Variant Classification Sherloc (09022015). Collection method: clinical testing. Allele origin: germline.
Comment: This sequence change creates a premature translational stop signal (p.Phe238Leufs*5) in the ARCN1 gene. It is expected to result in an absent or disrupted protein product. Loss-of-function variants in ARCN1 are known to be pathogenic (PMID: 27476655). For these reasons, this variant has been classified as Pathogenic. This variant has not been reported in the literature in individuals affected with ARCN1-related conditions. This variant is not present in population databases (gnomAD no frequency).

Literature cited by the submitters: PubMed 27476655.

NM_001655.5(ARCN1):c.711del (p.Phe238fs)

Gene: ARCN1 (archain 1 coat protein complex I subunit delta; plus strand). Cytogenetic location: 11q23.3.
Variant type: Deletion.
Coding change: c.711del on transcript NM_001655.5 (MANE Select); coding-DNA position 711, one base deleted (C; older notation c.711delC).
Protein change: p.Phe238fs; shifts the reading frame from phenylalanine 238.
Molecular consequence: frameshift variant.
Genome position (GRCh38, 1-based): chr11:118,584,537, C deleted. VCF-style (leftmost placement, unchanged base first): chr11-118584536-AC-A. GRCh37 (hg19) VCF-style: chr11-118455251-AC-A.
Other names: c.447del, p.Phe150fs (NM_001142281.2); c.711delC, p.Phe238Leufs (NM_001425073.1, NM_001425078.1); c.708delC, p.Phe237Leufs (NM_001425074.1, NM_001425079.1); c.654delC, p.Phe219Leufs (NM_001425075.1); c.642delC, p.Phe215Leufs (NM_001425076.1); c.267delC, p.Phe90Leufs (NM_001425080.1); c.447delC, p.Phe150Leufs (NM_001425081.1); short protein forms F150fs, F238fs.
Identifiers: ClinVar variation 2750345 (VCV002750345.3), dbSNP rs2497687936, ClinGen allele CA2697559013.